The following is an entry in ClinVar:

NM_007056.3(CLASRP):c.279C>G (p.Thr93=)

Gene: CLASRP (CLK4 associating serine/arginine rich protein; plus strand). Cytogenetic location: 19q13.32.
Variant type: single nucleotide variant.
Coding change: c.279C>G on transcript NM_007056.3 (MANE Select); coding-DNA position 279, C replaced by G.
Protein change: p.Thr93=; no amino-acid change (threonine 93 retained).
Molecular consequence: synonymous variant. On other transcripts: non-coding transcript variant (1), intron variant (1).
Genome position (GRCh38, 1-based): chr19:45,052,872, C>G. VCF-style: chr19-45052872-C-G. GRCh37 (hg19) VCF-style: chr19-45556130-C-G.
Other names: c.127-239C>G (NM_001278439.2).
Identifiers: ClinVar variation 2650091 (VCV002650091.24), dbSNP rs11667851, ClinGen allele CA9508027.

ClinVar aggregate classification (germline): Likely benign (1 of 4 stars; one submission).

gnomAD v4.1: 7 of 1,610,242 alleles (0.00043%); highest among the groups gnomAD compares: African/African-American, 0.0067%; no homozygotes.

Submission:

CeGaT Center for Human Genetics Tuebingen
Classification: Likely benign. Last evaluated: 2022-10-01. Review status: criteria provided, single submitter. Criteria: CeGaT Center For Human Genetics Tuebingen Variant Classification Criteria Version 2. Collection method: clinical testing. Allele origin: germline. Affected: yes. Observed: 1 variant allele.
Comment: CLASRP: PM2:Supporting, BP4, BP7